The following is an entry in ClinVar:

NM_000287.4(PEX6):c.2133G>A (p.Gln711=)

Gene: PEX6 (peroxisomal biogenesis factor 6; minus strand). Cytogenetic location: 6p21.1.
Variant type: single nucleotide variant.
Coding change: c.2133G>A on transcript NM_000287.4 (MANE Select); coding-DNA position 2133, G replaced by A.
Protein change: p.Gln711=; no amino-acid change (glutamine 711 retained).
Molecular consequence: synonymous variant.
Genome position (GRCh38, 1-based): chr6:42,966,409, C>T on the plus strand (G>A on the coding strand, the complement: PEX6 is on the minus strand). VCF-style: chr6-42966409-C-T. GRCh37 (hg19) VCF-style: chr6-42934147-C-T.
Other names: c.1869G>A, p.Gln623= (NM_001316313.2).
Identifiers: ClinVar variation 4992690 (VCV004992690.1).

ClinVar aggregate classification (germline): Likely benign (1 of 4 stars; one submission).

Conditions:
PEX6-related disorder. Also called: PEX6-related disorders; PEX6-related condition.

Submission:

PreventionGenetics, part of Exact Sciences
Classification: Likely benign for PEX6-related condition. Last evaluated: 2026-03-19. Review status: criteria provided, single submitter. Criteria: ACMG Guidelines, 2015. Collection method: clinical testing. Allele origin: germline.
Comment: This variant is classified as likely benign based on ACMG/AMP sequence variant interpretation guidelines (Richards et al. 2015 PMID: 25741868, with internal and published modifications).